The following is an entry in ClinVar:

NM_015231.3(NUP160):c.-17_-1dup (p.Met1fs)

Genes: NUP160 (nucleoporin 160; minus strand), LOC130005685 (ATAC-STARR-seq lymphoblastoid active region 4704; plus strand). Cytogenetic location: 11p11.2.
Variant type: Duplication.
Coding change: c.-17_-1dup on transcript NM_015231.3 (MANE Select); 17 bases upstream of the start codon through 1 bases upstream of the start codon, 17 bases duplicated (GCGGCGACGGCGGGAAG).
Protein change: p.Met1fs; shifts the reading frame from methionine 1.
Molecular consequence: frameshift variant. On other transcripts: non-coding transcript variant (1).
Genome position (GRCh38, 1-based): chr11:47,848,319-47,848,335, CTTCCCGCCGTCGCCGC duplicated on the plus strand (GCGGCGACGGCGGGAAG on the coding strand, the reverse complement: NUP160 is on the minus strand). VCF-style (leftmost placement, unchanged base first): chr11-47848318-T-TCTTCCCGCCGTCGCCGC. GRCh37 (hg19) VCF-style: chr11-47869870-T-TCTTCCCGCCGTCGCCGC.
Other names: c.86_102dup, p.Met35fs (NM_001318399.1); c.86_102dup17 (NM_015231.2); short protein forms M1fs, M35fs.
Identifiers: ClinVar variation 2155805 (VCV002155805.4), dbSNP rs755721902, ClinGen allele CA5981764.

ClinVar aggregate classification (germline): Conflicting classifications of pathogenicity. Review status: criteria provided, conflicting classifications (1 of 4 stars). 3 submissions from 3 submitters: Pathogenic (1); Uncertain significance (2). Last evaluated 2026-03-20.

Conditions:
Osteopetrosis. Identifiers: Orphanet 2781, MedGen C0029454, MONDO:0017198, HP:0011002.
NUP160-related disorder. Also called: NUP160-related condition.

Allele frequency attached by ClinVar (database versions not stated): gnomAD 0.00011; gnomAD exomes 0.00011; ExAC 0.00015.

Submissions (3):

PreventionGenetics, part of Exact Sciences
Classification: Uncertain significance for NUP160-related condition. Last evaluated: 2026-03-20. Review status: criteria provided, single submitter. Criteria: ACMG Guidelines, 2015. Collection method: clinical testing. Allele origin: germline.
Comment: The NUP160 c.86_102dup17 variant is predicted to result in a frameshift and premature protein termination (p.Met35Alafs*20). To our knowledge, this variant has not been reported in the literature. This variant is reported in 0.18% of alleles in individuals of Ashkenazi Jewish descent in gnomAD without homozygotes. Usually frameshifting variants in this gene are expected to be pathogenic. To our knowledge, however, no truncating variants upstream of this variant have been reported in the literature. Although we suspect that this variant may be pathogenic, at this time, the clinical significance of this variant is uncertain due to the absence of conclusive functional and genetic evidence.

Clinical Genetics Laboratory, Skane University Hospital Lund
Classification: Uncertain significance for Osteopetrosis. Last evaluated: 2025-03-12. Review status: criteria provided, single submitter. Criteria: ACMG Guidelines, 2015. Collection method: clinical testing. Allele origin: germline. Affected: yes.
Comment: ACMG criteria used: PM2

Labcorp Genetics (formerly Invitae), Labcorp
Classification: Pathogenic. Last evaluated: 2024-10-16. Review status: criteria provided, single submitter. Criteria: Invitae Variant Classification Sherloc (09022015). Collection method: clinical testing. Allele origin: germline.
Comment: This sequence change creates a premature translational stop signal (p.Met35Alafs*20) in the NUP160 gene. It is expected to result in an absent or disrupted protein product. Loss-of-function variants in NUP160 are known to be pathogenic (PMID: 30910934). This variant is present in population databases (rs755721902, gnomAD 0.2%). This variant has not been reported in the literature in individuals affected with NUP160-related conditions. ClinVar contains an entry for this variant (Variation ID: 2155805). For these reasons, this variant has been classified as Pathogenic.

Literature cited by the submitters: PubMed 30910934 (cited by Labcorp Genetics (formerly Invitae), Labcorp).